The following is an entry in ClinVar:

ClinVar aggregate classification (germline): Uncertain significance (1 of 4 stars; one submission).

gnomAD v4.1: 3 of 1,613,818 alleles (0.00019%); highest among the groups gnomAD compares: African/African-American, 0.004%; no homozygotes.

Submission:

Labcorp Genetics (formerly Invitae), Labcorp
Classification: Uncertain significance. Last evaluated: 2024-08-20. Review status: criteria provided, single submitter. Criteria: Invitae Variant Classification Sherloc (09022015). Collection method: clinical testing. Allele origin: germline.
Comment: This sequence change replaces tryptophan, which is neutral and slightly polar, with serine, which is neutral and polar, at codon 207 of the ADAMTS10 protein (p.Trp207Ser). This variant is present in population databases (rs376292178, gnomAD 0.007%). This variant has not been reported in the literature in individuals affected with ADAMTS10-related conditions. An algorithm developed to predict the effect of missense changes on protein structure and function (PolyPhen-2) suggests that this variant is likely to be tolerated. In summary, the available evidence is currently insufficient to determine the role of this variant in disease. Therefore, it has been classified as a Variant of Uncertain Significance.

NM_030957.4(ADAMTS10):c.620G>C (p.Trp207Ser)

Gene: ADAMTS10 (ADAM metallopeptidase with thrombospondin type 1 motif 10; minus strand). Cytogenetic location: 19p13.2.
Variant type: single nucleotide variant.
Coding change: c.620G>C on transcript NM_030957.4 (MANE Select); coding-DNA position 620, G replaced by C.
Protein change: p.Trp207Ser; replaces tryptophan 207 with serine.
Molecular consequence: missense variant.
Genome position (GRCh38, 1-based): chr19:8,601,118, C>G on the plus strand (G>C on the coding strand, the complement: ADAMTS10 is on the minus strand). VCF-style: chr19-8601118-C-G. GRCh37 (hg19) VCF-style: chr19-8666002-C-G.
Other names: short protein forms W207S.
Identifiers: ClinVar variation 3695400 (VCV003695400.2).